The following is an entry in ClinVar:

ClinVar aggregate classification (germline): Uncertain significance. Review status: criteria provided, multiple submitters, no conflicts (2 of 4 stars). 3 submissions from 3 submitters: Uncertain significance (3). Last evaluated 2025-05-21.

Conditions:
Hereditary cancer-predisposing syndrome. Also called: Hereditary neoplastic syndrome; Tumor predisposition; Neoplastic Syndromes, Hereditary; Hereditary Cancer Syndrome. Identifiers: Orphanet 140162, MedGen C0027672, MeSH D009386, MONDO:0015356.
EGFR-related lung cancer (EGFR). Identifiers: MedGen CN130014.

Allele frequency attached by ClinVar (database versions not stated): gnomAD exomes below 0.00001; TOPMed below 0.00001; gnomAD 0.00001.
gnomAD v4.1: 3 of 1,613,622 alleles (0.00019%); highest among the groups gnomAD compares: Non-Finnish European, 0.00017%; no homozygotes.

Submissions (3):

Ambry Genetics
Classification: Uncertain significance for Hereditary cancer-predisposing syndrome. Last evaluated: 2025-05-21. Review status: criteria provided, single submitter. Criteria: Ambry Variant Classification Scheme 2023. Collection method: clinical testing. Allele origin: germline.
Comment: The p.N623I variant (also known as c.1868A>T), located in coding exon 15 of the EGFR gene, results from an A to T substitution at nucleotide position 1868. The asparagine at codon 623 is replaced by isoleucine, an amino acid with dissimilar properties. This amino acid position is conserved. In addition, the in silico prediction for this alteration is inconclusive. Based on the available evidence, the clinical significance of this variant remains unclear.

Labcorp Genetics (formerly Invitae), Labcorp
Classification: Uncertain significance for EGFR-related lung cancer. Last evaluated: 2024-02-06. Review status: criteria provided, single submitter. Criteria: Invitae Variant Classification Sherloc (09022015). Collection method: clinical testing. Allele origin: germline.
Comment: This sequence change replaces asparagine, which is neutral and polar, with isoleucine, which is neutral and non-polar, at codon 623 of the EGFR protein (p.Asn623Ile). This variant is not present in population databases (gnomAD no frequency). This variant has not been reported in the literature in individuals affected with EGFR-related conditions. ClinVar contains an entry for this variant (Variation ID: 1692866). Advanced modeling of protein sequence and biophysical properties (such as structural, functional, and spatial information, amino acid conservation, physicochemical variation, residue mobility, and thermodynamic stability) has been performed at Invitae for this missense variant, however the output from this modeling did not meet the statistical confidence thresholds required to predict the impact of this variant on EGFR protein function. In summary, the available evidence is currently insufficient to determine the role of this variant in disease. Therefore, it has been classified as a Variant of Uncertain Significance.

Sema4
Classification: Uncertain significance for Hereditary cancer-predisposing syndrome. Last evaluated: 2021-09-16. Review status: criteria provided, single submitter. Criteria: Sema4 Curation Guidelines. Collection method: curation. Allele origin: germline.
Comment: The EGFR c.1868A>T (p.N623I) variant has not been reported in the literature to our knowledge. It was not observed in the large and broad cohorts of the Genome Aggregation Database and has not been reported in ClinVar. Functional studies have not been performed, and in silico predictions of the variant's effect on protein function are inconclusive. The evidence is insufficient to meet ACMG/AMP criteria for classifying the variant as benign or pathogenic. Thus, the clinical significance of this variant is currently uncertain.

NM_005228.5(EGFR):c.1868A>T (p.Asn623Ile)

Gene: EGFR (epidermal growth factor receptor; plus strand). Cytogenetic location: 7p11.2.
Variant type: single nucleotide variant.
Coding change: c.1868A>T on transcript NM_005228.5 (MANE Select); coding-DNA position 1868, A replaced by T.
Protein change: p.Asn623Ile; replaces asparagine 623 with isoleucine.
Molecular consequence: missense variant.
Genome position (GRCh38, 1-based): chr7:55,165,425, A>T. VCF-style: chr7-55165425-A-T. GRCh37 (hg19) VCF-style: chr7-55233118-A-T.
Other names: c.1733A>T, p.Asn578Ile (NM_001346897.2, NM_001346899.2); c.1868A>T, p.Asn623Ile (NM_001346898.2, NM_201282.2, NM_201284.2); c.1709A>T, p.Asn570Ile (NM_001346900.2); c.1067A>T, p.Asn356Ile (NM_001346941.2); short protein forms N356I, N570I, N578I, N623I.
Identifiers: ClinVar variation 1692866 (VCV001692866.4), dbSNP rs1785924769, ClinGen allele CA367581110.
Genomic context (GRCh38, chr7:55,165,425, plus strand): 5'-ACAACACCCTGGTCTGGAAGTACGCAGACGCCGGCCATGTGTGCCACCTGTGCCATCCAA[A>T]CTGCACCTACGGGTGAGTGGAAAGTGAAGGAGAACAGAACATTTCCTCTCTTGCAAATTC-3'
Protein context (NP_005219.2, residues 613-633): AGHVCHLCHP[Asn623Ile]CTYGCTGPGL